The following is an entry in ClinVar:

NM_030632.3(ASXL3):c.5381_5382dup (p.Asn1795fs)

Gene: ASXL3 (ASXL transcriptional regulator 3; plus strand). Cytogenetic location: 18q12.1.
Variant type: Microsatellite.
Coding change: c.5381_5382dup on transcript NM_030632.3 (MANE Select); coding-DNA positions 5381 to 5382, 2 bases duplicated (GA; older notation c.5381_5382dupGA).
Protein change: p.Asn1795fs; shifts the reading frame from asparagine 1795.
Molecular consequence: frameshift variant.
Genome position (GRCh38, 1-based): chr18:33,745,229-33,745,230, GA duplicated; duplicating any 2 consecutive bases within chr18:33,745,224-33,745,230 gives the same sequence; the c. name uses the placement nearest the transcript's 3' end. VCF-style (leftmost placement, unchanged base first): chr18-33745223-C-CAG. GRCh37 (hg19) VCF-style: chr18-31325187-C-CAG.
Other names: p.Asn1795GlufsTer27; short protein forms N1795fs.
Identifiers: ClinVar variation 4879978 (VCV004879978.1).

ClinVar aggregate classification (germline): Likely pathogenic (1 of 4 stars; one submission).

Conditions:
Bainbridge-Ropers syndrome. Also called: Severe feeding difficulties-failure to thrive-microcephaly due to ASXL3 deficiency syndrome. Identifiers: Orphanet 352577, MedGen C4750837, MONDO:0014205, OMIM 615485.

Submission:

Foundation for Research in Genetics and Endocrinology, FRIGE's Institute of Human Genetics
Classification: Likely pathogenic for Bainbridge-Ropers syndrome. Last evaluated: 2026-03-23. Review status: criteria provided, single submitter. Criteria: ACMG Guidelines, 2015. Collection method: clinical testing. Allele origin: germline. Inheritance: Autosomal dominant inheritance. Affected: yes. Observed: 1 variant allele, 1 heterozygote.
Comment: A heterozygous variant c.5381_5382dupGA (p.Asn1795GlufsTer27) in exon 12 of the ASXL3 gene was detected. This variant results in a frameshift and a premature termination codon 27 amino acids downstream of codon 1795. The observed variant c.247C>G (p.Leu83Val) has not been reported in the 1000 genomes and gnomAD databases. The in silico prediction of the variant are possibly damaging by PolyPhen-2 (HumDiv) and damaging by LRT and MutationTaster2. The reference codon is conserved across species. In summary, the variant meets our criteria to be classified as likely pathogenic.